The following is an entry in ClinVar:

NM_001270.4(CHD1):c.1063A>T (p.Lys355Ter)

Gene: CHD1 (chromodomain helicase DNA binding protein 1; minus strand). Cytogenetic location: 5q15.
Variant type: single nucleotide variant.
Coding change: c.1063A>T on transcript NM_001270.4 (MANE Select); coding-DNA position 1063, A replaced by T.
Protein change: p.Lys355Ter; replaces lysine 355 with a stop codon.
Molecular consequence: nonsense. On other transcripts: non-coding transcript variant (2).
Genome position (GRCh38, 1-based): chr5:98,899,502, T>A on the plus strand (A>T on the coding strand, the complement: CHD1 is on the minus strand). VCF-style: chr5-98899502-T-A. GRCh37 (hg19) VCF-style: chr5-98235206-T-A.
Other names: c.1063A>T, p.Lys355Ter (NM_001364113.3, NM_001376194.2); short protein forms K355*.
Identifiers: ClinVar variation 3383897 (VCV003383897.2).

ClinVar aggregate classification (germline): Uncertain significance (1 of 4 stars; one submission).

Submission:

GeneDx
Classification: Uncertain significance. Last evaluated: 2026-09-25. Review status: criteria provided, single submitter. Criteria: GeneDx Variant Classification Process June 2021. Collection method: clinical testing. Allele origin: germline.
Comment: Nonsense variant predicted to result in protein truncation or nonsense mediated decay in a gene or region of a gene for which loss of function is not a well-established mechanism of disease; Not observed at significant frequency in large population cohorts (gnomAD); Has not been previously published as pathogenic or benign to our knowledge